The following is an entry in ClinVar:

NM_000535.7(PMS2):c.1305_1312del (p.His435fs)

Gene: PMS2 (PMS1 homolog 2, mismatch repair system component; minus strand). Cytogenetic location: 7p22.1.
Variant type: Deletion.
Coding change: c.1305_1312del on transcript NM_000535.7 (MANE Select); coding-DNA positions 1305 to 1312, 8 bases deleted (CAGCCCAA; older notation c.1305_1312delCAGCCCAA).
Protein change: p.His435fs; shifts the reading frame from histidine 435.
Molecular consequence: frameshift variant. On other transcripts: non-coding transcript variant (1), intron variant (1).
Genome position (GRCh38, 1-based): chr7:5,987,453-5,987,460, TTGGGCTG deleted on the plus strand (CAGCCCAA on the coding strand, the reverse complement: PMS2 is on the minus strand); deleting any 8 consecutive bases within chr7:5,987,453-5,987,461 gives the same sequence; the c. name uses the placement nearest the transcript's 3' end. VCF-style (leftmost placement, unchanged base first): chr7-5987452-TTTGGGCTG-T. GRCh37 (hg19) VCF-style: chr7-6027083-TTTGGGCTG-T.
Other names: c.900_907del, p.His300fs (NM_001322003.2, NM_001322004.2, NM_001322005.2 and 16 more transcripts); c.1149_1156del, p.His383fs (NM_001322006.2, NM_001406870.1); c.987_994del, p.His329fs (NM_001322007.2, NM_001322008.2, NM_001406876.1 and 2 more transcripts); c.744_751del, p.His248fs (NM_001322010.2, NM_001406906.1, NM_001406907.1); c.372_379del, p.His124fs (NM_001322011.2, NM_001322012.2); c.732_739del, p.His244fs (NM_001322013.2, NM_001406909.1); c.1305_1312del, p.His435fs (NM_001322014.2, NM_001406871.1, NM_001406872.1); c.996_1003del, p.His332fs (NM_001322015.2, NM_001406875.1, NM_001406877.1 and 5 more transcripts); and 13 more; short protein forms H244fs, H248fs, H280fs, H313fs, H327fs, H329fs, H332fs, H369fs.
Identifiers: ClinVar variation 4734227 (VCV004734227.1).

ClinVar aggregate classification (germline): Pathogenic (1 of 4 stars; one submission).

Conditions:
Hereditary nonpolyposis colorectal neoplasms. Identifiers: MedGen C0009405, MeSH D003123.

Submission:

Labcorp Genetics (formerly Invitae), Labcorp
Classification: Pathogenic for Hereditary nonpolyposis colorectal neoplasms. Last evaluated: 2025-12-27. Review status: criteria provided, single submitter. Criteria: Invitae Variant Classification Sherloc (09022015). Collection method: clinical testing. Allele origin: germline.
Comment: This sequence change creates a premature translational stop signal (p.His435Glnfs*20) in the PMS2 gene. It is expected to result in an absent or disrupted protein product. Loss-of-function variants in PMS2 are known to be pathogenic (PMID: 21376568, 24362816). This variant is not present in population databases (gnomAD no frequency). This variant has not been reported in the literature in individuals affected with PMS2-related conditions. For these reasons, this variant has been classified as Pathogenic.

Literature cited by the submitters: PubMed 21376568; PubMed 24362816.